The following is an entry in ClinVar:

NM_001085458.2(CTNND1):c.1054A>G (p.Ser352Gly)

Genes: CTNND1 (catenin delta 1; plus strand), TMX2-CTNND1 (TMX2-CTNND1 readthrough (NMD candidate); plus strand). Cytogenetic location: 11q12.1.
Variant type: single nucleotide variant.
Coding change: c.1054A>G on transcript NM_001085458.2 (MANE Select); coding-DNA position 1054, A replaced by G.
Protein change: p.Ser352Gly; replaces serine 352 with glycine.
Molecular consequence: missense variant. On other transcripts: non-coding transcript variant (1).
Genome position (GRCh38, 1-based): chr11:57,801,830, A>G. VCF-style: chr11-57801830-A-G. GRCh37 (hg19) VCF-style: chr11-57569302-A-G.
Other names: c.892A>G, p.Ser298Gly (NM_001206888.2, NM_001206889.2, NM_001206891.2 and 4 more transcripts); c.751A>G, p.Ser251Gly (NM_001206890.2, NM_001085463.2, NM_001085464.2 and 5 more transcripts); c.1054A>G, p.Ser352Gly (NM_001331.3, NM_001085459.2, NM_001085460.2 and 3 more transcripts); short protein forms S251G, S298G, S352G.
Identifiers: ClinVar variation 3239427 (VCV003239427.19), dbSNP rs2497333830.

ClinVar aggregate classification (germline): Uncertain significance (1 of 4 stars; one submission).

Submission:

CeGaT Center for Human Genetics Tuebingen
Classification: Uncertain significance. Last evaluated: 2024-05-01. Review status: criteria provided, single submitter. Criteria: CeGaT Center For Human Genetics Tuebingen Variant Classification Criteria Version 2. Collection method: clinical testing. Allele origin: germline. Affected: yes. Observed: 1 variant allele.
Comment: CTNND1: PM2, BP5